The following is an entry in ClinVar:

NM_014444.5(TUBGCP4):c.595C>T (p.Gln199Ter)

Gene: TUBGCP4 (tubulin gamma complex component 4; plus strand). Cytogenetic location: 15q15.3.
Variant type: single nucleotide variant.
Coding change: c.595C>T on transcript NM_014444.5 (MANE Select); coding-DNA position 595, C replaced by T.
Protein change: p.Gln199Ter; replaces glutamine 199 with a stop codon.
Molecular consequence: nonsense.
Genome position (GRCh38, 1-based): chr15:43,383,376, C>T. VCF-style: chr15-43383376-C-T. GRCh37 (hg19) VCF-style: chr15-43675574-C-T.
Other names: c.595C>T, p.Gln199Ter (NM_001286414.3); short protein forms Q199*.
Identifiers: ClinVar variation 1952110 (VCV001952110.5), dbSNP rs2044312352, ClinGen allele CA392119943.

ClinVar aggregate classification (germline): Pathogenic (1 of 4 stars; one submission).

gnomAD v4.1: 2 of 1,614,106 alleles (0.00012%); highest among the groups gnomAD compares: African/African-American, 0.0013%; no homozygotes.

Submission:

Labcorp Genetics (formerly Invitae), Labcorp
Classification: Pathogenic. Last evaluated: 2022-07-12. Review status: criteria provided, single submitter. Criteria: Invitae Variant Classification Sherloc (09022015). Collection method: clinical testing. Allele origin: germline.
Comment: For these reasons, this variant has been classified as Pathogenic. Algorithms developed to predict the effect of sequence changes on RNA splicing suggest that this variant may disrupt the consensus splice site. This variant has not been reported in the literature in individuals affected with TUBGCP4-related conditions. This variant is not present in population databases (gnomAD no frequency). This sequence change creates a premature translational stop signal (p.Gln199*) in the TUBGCP4 gene. It is expected to result in an absent or disrupted protein product. Loss-of-function variants in TUBGCP4 are known to be pathogenic (PMID: 25817018).

Literature cited by the submitters: PubMed 25817018.